The following is an entry in ClinVar:

NM_000077.5(CDKN2A):c.430C>T (p.Arg144Cys)

Gene: CDKN2A (cyclin dependent kinase inhibitor 2A; minus strand). Cytogenetic location: 9p21.3.
Variant type: single nucleotide variant.
Coding change: c.430C>T on transcript NM_000077.5; coding-DNA position 430, C replaced by T.
Protein change: p.Arg144Cys; replaces arginine 144 with cysteine.
Molecular consequence: missense variant (on NM_000077.6). On other transcripts: 3 prime UTR variant (2).
Genome position (GRCh38, 1-based): chr9:21,970,929, G>A on the plus strand (C>T on the coding strand, the complement: CDKN2A is on the minus strand). VCF-style: chr9-21970929-G-A. GRCh37 (hg19) VCF-style: chr9-21970928-G-A.
Other names: p.R144C:CGC>TGC; c.430C>T, p.Arg144Cys (NM_000077.6, NM_001195132.2); c.277C>T, p.Arg93Cys (NM_001363763.2); c.*74C>T (NM_058195.4); c.*353C>T (NM_058197.5); short protein forms R144C, R93C.
Identifiers: ClinVar variation 41579 (VCV000041579.37), dbSNP rs116150891, ClinGen allele CA158064.
Genomic context (GRCh38, chr9:21,970,929, plus strand): 5'-CAGGGTACAAATTCTCAGATCATCAGTCCTCACCTGAGGGACCTTCCGCGGCATCTATGC[G>A]GGCATGGTTACTGCCTCTGGTGCCCCCCGCAGCCGCGCGCAGGTACCGTGCGACATCGCG-3'
Protein context (NP_000068.1, residues 134-154): AGGTRGSNHA[Arg144Cys]IDAAEGPSDI

ClinVar aggregate classification (germline): Benign/Likely benign. Review status: criteria provided, multiple submitters, no conflicts (2 of 4 stars). 16 submissions from 16 submitters: Benign (8); Likely benign (5). 3 of the submissions do not count toward it. Last evaluated 2026-02-03.

Conditions:
Familial pancreatic carcinoma. Identifiers: Orphanet 1333, MedGen C2931038, MONDO:0015278, OMIM 260350.
Li-Fraumeni syndrome (LFS). Also called: Sarcoma family syndrome of Li and Fraumeni. Identifiers: Orphanet 524, MedGen C0085390, MONDO:0018875.
Melanoma-pancreatic cancer syndrome. Identifiers: Orphanet 404560, MedGen C1838547, MONDO:0011713, OMIM 606719. Disease mechanism: loss of function.
Melanoma, cutaneous malignant, susceptibility to, 2 (CMM2). Also called: CDKN2A-Related Cutaneous Malignant Melanoma; Cutaneous malignant melanoma 2. Identifiers: Orphanet 618, MedGen C1835044, MONDO:0007964, OMIM 155601.
Melanoma and neural system tumor syndrome. Also called: MELANOMA-ASTROCYTOMA SYNDROME. Identifiers: Orphanet 252206, MedGen C1835042, MONDO:0007967, OMIM 155755.
Familial melanoma. Also called: Hereditary melanoma; Hereditary cutaneous melanoma. Identifiers: Orphanet 618, MedGen C1512419, MONDO:0018961.
Hereditary cancer-predisposing syndrome. Also called: Tumor predisposition; Neoplastic Syndromes, Hereditary; Hereditary Cancer Syndrome; Hereditary neoplastic syndrome. Identifiers: Orphanet 140162, MedGen C0027672, MeSH D009386, MONDO:0015356.

Allele frequency attached by ClinVar (database versions not stated): gnomAD exomes 0.00025 and 0.00056; ExAC 0.00064; ESP Exome Variant Server 0.00223; 1000 Genomes Project 30x 0.00234; gnomAD 0.00248; 1000 Genomes Project 0.00280; TOPMed 0.00296.
gnomAD v4.1: 763 of 1,612,398 alleles (0.047%); highest among the groups gnomAD compares: African/African-American, 0.87%; 2 homozygotes.

Submissions (16):

Labcorp Genetics (formerly Invitae), Labcorp
Classification: Benign for Familial melanoma. Last evaluated: 2026-02-03. Review status: criteria provided, single submitter. Criteria: Invitae Variant Classification Sherloc (09022015). Collection method: clinical testing. Allele origin: germline.

Quest Diagnostics Nichols Institute San Juan Capistrano
Classification: Benign. Last evaluated: 2025-10-22. Review status: criteria provided, single submitter. Criteria: Quest Diagnostics criteria. Collection method: clinical testing. Allele origin: unknown.

CeGaT Center for Human Genetics Tuebingen
Classification: Likely benign. Last evaluated: 2025-10-01. Review status: criteria provided, single submitter. Criteria: CeGaT Center For Human Genetics Tuebingen Variant Classification Criteria Version 2. Collection method: clinical testing. Allele origin: germline. Affected: yes. Observed: 3 variant alleles.
Comment: CDKN2A: BP4, BS1

Blueprint Genetics
Classification: Likely benign. Last evaluated: 2024-10-11. Review status: criteria provided, single submitter. Criteria: ACMG Guidelines, 2015. Collection method: clinical testing. Allele origin: germline.

Color Diagnostics, LLC DBA Color Health
Classification: Benign for Hereditary cancer-predisposing syndrome. Last evaluated: 2024-09-19. Review status: criteria provided, single submitter. Criteria: ACMG Guidelines, 2015. Collection method: clinical testing. Allele origin: germline.

Department of Pathology and Laboratory Medicine, Sinai Health System
Classification: Benign for Li-Fraumeni syndrome; Familial pancreatic carcinoma. Last evaluated: 2023-09-18. Review status: criteria provided, single submitter. Criteria: ACMG Guidelines, 2015. Collection method: clinical testing. Allele origin: germline. Affected: yes.

Myriad Genetics, Inc.
Classification: Likely benign for Melanoma-pancreatic cancer syndrome. Last evaluated: 2023-04-20. Review status: criteria provided, single submitter. Criteria: Myriad Autosomal Dominant, Autosomal Recessive and X-Linked Classification Criteria (2023). Collection method: clinical testing. Allele origin: unknown.
Comment: This variant is considered likely benign. This variant has been observed at a population frequency that is significantly greater than expected given the associated disease prevalence and penetrance.

Fulgent Genetics
Classification: Likely benign for Melanoma, cutaneous malignant, susceptibility to, 2; Melanoma and neural system tumor syndrome; Melanoma-pancreatic cancer syndrome. Last evaluated: 2022-02-09. Review status: criteria provided, single submitter. Criteria: ACMG Guidelines, 2015. Collection method: clinical testing. Allele origin: unknown.

Sema4
Classification: Benign for Hereditary cancer-predisposing syndrome. Last evaluated: 2020-03-26. Review status: criteria provided, single submitter. Criteria: Sema4 Curation Guidelines. Collection method: curation. Allele origin: germline.

Mendelics
Classification: Benign for Melanoma-pancreatic cancer syndrome. Last evaluated: 2019-05-28. Review status: criteria provided, single submitter. Criteria: Mendelics Assertion Criteria 2017. Collection method: clinical testing. Allele origin: unknown.

Ambry Genetics
Classification: Likely benign for Hereditary cancer-predisposing syndrome. Last evaluated: 2018-09-27. Review status: criteria provided, single submitter. Criteria: Ambry Variant Classification Scheme 2023. Collection method: clinical testing. Allele origin: germline.

PreventionGenetics, part of Exact Sciences
Classification: Benign. Last evaluated: 2017-06-07. Review status: criteria provided, single submitter. Criteria: ACMG Guidelines, 2015. Collection method: clinical testing. Allele origin: germline.

GeneDx
Classification: Benign. Last evaluated: 2016-10-17. Review status: criteria provided, single submitter. Criteria: GeneDx Variant Classification (06012015). Collection method: clinical testing. Allele origin: germline. Affected: yes.
Comment: This variant is considered likely benign or benign based on one or more of the following criteria: it is a conservative change, it occurs at a poorly conserved position in the protein, it is predicted to be benign by multiple in silico algorithms, and/or has population frequency not consistent with disease.

Counsyl
Classification: Likely benign for Melanoma-pancreatic cancer syndrome. Last evaluated: 2016-08-15. Review status: no assertion criteria provided. Collection method: clinical testing. Allele origin: unknown. Not counted in ClinVar's aggregate classification.

ITMI
No classification provided. Condition: AllHighlyPenetrant. Last evaluated: 2013-09-19. Review status: no classification provided. Collection method: reference population. Allele origin: germline. Not counted in ClinVar's aggregate classification.
Comment: Please see associated publication for description of ethnicities

Biesecker Lab/Clinical Genomics Section, National Institutes of Health
Classification: Uncertain significance. Last evaluated: 2012-07-13. Review status: no assertion criteria provided. Collection method: research. Allele origin: germline. Affected: no. Observed: 1 variant allele. Study: ClinSeq. Not counted in ClinVar's aggregate classification.
ClinVar note: Converted during submission from variant of unknown significance to Uncertain significance.

Literature cited by the submitters: PubMed 7970734 (cited by Quest Diagnostics Nichols Institute San Juan Capistrano and Ambry Genetics); PubMed 24728327 (cited by 5 submitters); PubMed 9324288 (cited by Quest Diagnostics Nichols Institute San Juan Capistrano and Ambry Genetics); PubMed 20340136 (cited by 3 submitters); PubMed 21462282 (cited by 3 submitters); PubMed 22368299 (cited by 4 submitters); PubMed 25318351 (cited by Quest Diagnostics Nichols Institute San Juan Capistrano and Counsyl); PubMed 24659262 (cited by 3 submitters); PubMed 18573309 (cited by Quest Diagnostics Nichols Institute San Juan Capistrano); PubMed 25980754 (cited by 3 submitters); PubMed 26681309 (cited by 4 submitters); PubMed 28944238 (cited by Quest Diagnostics Nichols Institute San Juan Capistrano and Department of Pathology and Laboratory Medicine, Sinai Health System); PubMed 26976419 (cited by 3 submitters); PubMed 33939675 (cited by Quest Diagnostics Nichols Institute San Juan Capistrano); PubMed 31432501 (cited by Quest Diagnostics Nichols Institute San Juan Capistrano); PubMed 34347074 (cited by Quest Diagnostics Nichols Institute San Juan Capistrano).